The following is an entry in ClinVar:

ClinVar aggregate classification (germline): Uncertain significance (1 of 4 stars; one submission).

Allele frequency attached by ClinVar (database versions not stated): gnomAD exomes below 0.00001; TOPMed below 0.00001.

Submission:

Labcorp Genetics (formerly Invitae), Labcorp
Classification: Uncertain significance. Last evaluated: 2018-04-27. Review status: criteria provided, single submitter. Criteria: Invitae Variant Classification Sherloc (09022015). Collection method: clinical testing. Allele origin: germline.
Comment: This sequence change replaces proline with leucine at codon 303 of the PLEKHM2 protein (p.Pro303Leu). The proline residue is weakly conserved and there is a moderate physicochemical difference between proline and leucine. This variant has not been reported in the literature in individuals with PLEKHM2-related disease. This variant is not present in population databases (ExAC no frequency). In summary, the available evidence is currently insufficient to determine the role of this variant in disease. Therefore, it has been classified as a Variant of Uncertain Significance. Algorithms developed to predict the effect of missense changes on protein structure and function output the following: SIFT: "Tolerated"; PolyPhen-2: "Benign"; Align-GVGD: "Class C0". The leucine amino acid residue is found in multiple mammalian species, suggesting that this missense change does not adversely affect protein function. These predictions have not been confirmed by published functional studies and their clinical significance is uncertain.

NM_015164.4(PLEKHM2):c.908C>T (p.Pro303Leu)

Gene: PLEKHM2 (pleckstrin homology and RUN domain containing M2; plus strand). Cytogenetic location: 1p36.21.
Variant type: single nucleotide variant.
Coding change: c.908C>T on transcript NM_015164.4 (MANE Select); coding-DNA position 908, C replaced by T.
Protein change: p.Pro303Leu; replaces proline 303 with leucine.
Molecular consequence: missense variant.
Genome position (GRCh38, 1-based): chr1:15,725,512, C>T. VCF-style: chr1-15725512-C-T. GRCh37 (hg19) VCF-style: chr1-16052007-C-T.
Other names: short protein forms P303L.
Identifiers: ClinVar variation 583289 (VCV000583289.8), dbSNP rs1422101821, ClinGen allele CA338583148.